The following is an entry in ClinVar:

ClinVar aggregate classification (germline): Likely benign. Review status: criteria provided, multiple submitters, no conflicts (2 of 4 stars). 2 submissions from 2 submitters: Likely benign (2). Last evaluated 2026-05-01.

Conditions:
Fanconi anemia (FA). Also called: Fanconi's anemia. Identifiers: Orphanet 84, MedGen C0015625, MeSH D005199, MONDO:0019391.

Allele frequency attached by ClinVar (database versions not stated): gnomAD exomes below 0.00001; gnomAD 0.00001; TOPMed 0.00001.
gnomAD v4.1: 3 of 1,614,108 alleles (0.00019%); highest among the groups gnomAD compares: Non-Finnish European, 0.00025%; no homozygotes.

Submissions (2):

CeGaT Center for Human Genetics Tuebingen
Classification: Likely benign. Last evaluated: 2026-05-01. Review status: criteria provided, single submitter. Criteria: CeGaT Center For Human Genetics Tuebingen Variant Classification Criteria Version 2. Collection method: clinical testing. Allele origin: germline. Affected: yes. Observed: 1 variant allele.
Comment: FANCA: BP4, BP7

Labcorp Genetics (formerly Invitae), Labcorp
Classification: Likely benign for Fanconi anemia. Last evaluated: 2024-04-16. Review status: criteria provided, single submitter. Criteria: Invitae Variant Classification Sherloc (09022015). Collection method: clinical testing. Allele origin: germline.

NM_000135.4(FANCA):c.3153T>C (p.Ile1051=)

Gene: FANCA (FA complementation group A; minus strand). Cytogenetic location: 16q24.3.
Variant type: single nucleotide variant.
Coding change: c.3153T>C on transcript NM_000135.4 (MANE Select); coding-DNA position 3153, T replaced by C.
Protein change: p.Ile1051=; no amino-acid change (isoleucine 1051 retained).
Molecular consequence: synonymous variant.
Genome position (GRCh38, 1-based): chr16:89,749,816, A>G on the plus strand (T>C on the coding strand, the complement: FANCA is on the minus strand). VCF-style: chr16-89749816-A-G. GRCh37 (hg19) VCF-style: chr16-89816224-A-G.
Other names: c.3153T>C, p.Ile1051= (NM_001286167.3).
Identifiers: ClinVar variation 1157786 (VCV001157786.11), dbSNP rs1401723593, ClinGen allele CA497196198.
Genomic context (GRCh38, chr16:89,749,816, plus strand): 5'-TCTCTGAAGGCTGGCAGCCACGCTCCACCCGCTTGTCAGAGCCTGGAGCCGTCTGCGGAA[A>G]ATCTCAAAGAGGAAGTGCTCCTGGGAAGGGGTGTGGCCGAGAGGCACTATGAGGTCTTGC-3'
Protein context (NP_000126.2, residues 1041-1061): TPSQEHFLFE[Ile1051=]FRRRLQALTS